The following is an entry in ClinVar:

ClinVar aggregate classification (germline): Uncertain significance. Review status: criteria provided, multiple submitters, no conflicts (2 of 4 stars). 2 submissions from 2 submitters: Uncertain significance (2). Last evaluated 2024-03-01.

Conditions:
Hereditary cancer-predisposing syndrome. Also called: Hereditary neoplastic syndrome; Tumor predisposition; Neoplastic Syndromes, Hereditary; Hereditary Cancer Syndrome. Identifiers: Orphanet 140162, MedGen C0027672, MeSH D009386, MONDO:0015356.
Neuroblastoma, susceptibility to, 3. Also called: ALK-Related Neuroblastic Tumor Susceptibility. Identifiers: Orphanet 635, MedGen C2751681, MONDO:0013083, OMIM 613014.

Allele frequency attached by ClinVar (database versions not stated): gnomAD 0.00001.
gnomAD v4.1: 1 of 1,613,860 alleles (0.000062%); highest among the groups gnomAD compares: Non-Finnish European, 0.000085%; no homozygotes.

Submissions (2):

Labcorp Genetics (formerly Invitae), Labcorp
Classification: Uncertain significance for Neuroblastoma, susceptibility to, 3. Last evaluated: 2024-03-01. Review status: criteria provided, single submitter. Criteria: Invitae Variant Classification Sherloc (09022015). Collection method: clinical testing. Allele origin: germline.
Comment: This sequence change replaces glutamic acid, which is acidic and polar, with aspartic acid, which is acidic and polar, at codon 1321 of the ALK protein (p.Glu1321Asp). This variant is present in population databases (no rsID available, gnomAD 0.007%). This variant has not been reported in the literature in individuals affected with ALK-related conditions. ClinVar contains an entry for this variant (Variation ID: 2452110). An algorithm developed to predict the effect of missense changes on protein structure and function (PolyPhen-2) suggests that this variant is likely to be disruptive. In summary, the available evidence is currently insufficient to determine the role of this variant in disease. Therefore, it has been classified as a Variant of Uncertain Significance.

Ambry Genetics
Classification: Uncertain significance for Hereditary cancer-predisposing syndrome. Last evaluated: 2023-01-03. Review status: criteria provided, single submitter. Criteria: Ambry Variant Classification Scheme 2023. Collection method: clinical testing. Allele origin: germline.
Comment: The p.E1321D variant (also known as c.3963A>C), located in coding exon 27 of the ALK gene, results from an A to C substitution at nucleotide position 3963. The glutamic acid at codon 1321 is replaced by aspartic acid, an amino acid with highly similar properties. This amino acid position is conserved. In addition, this alteration is predicted to be deleterious by in silico analysis. Since supporting evidence is limited at this time, the clinical significance of this alteration remains unclear.

NM_004304.5(ALK):c.3963A>C (p.Glu1321Asp)

Gene: ALK (ALK receptor tyrosine kinase; minus strand). Cytogenetic location: 2p23.2.
Variant type: single nucleotide variant.
Coding change: c.3963A>C on transcript NM_004304.5 (MANE Select); coding-DNA position 3963, A replaced by C.
Protein change: p.Glu1321Asp; replaces glutamic acid 1321 with aspartic acid.
Molecular consequence: missense variant.
Genome position (GRCh38, 1-based): chr2:29,197,652, T>G on the plus strand (A>C on the coding strand, the complement: ALK is on the minus strand). VCF-style: chr2-29197652-T-G. GRCh37 (hg19) VCF-style: chr2-29420518-T-G.
Other names: c.759A>C, p.Glu253Asp (NM_001353765.2); short protein forms E1321D, E253D.
Identifiers: ClinVar variation 2452110 (VCV002452110.4), dbSNP rs1214281090, ClinGen allele CA346466378.
Genomic context (GRCh38, chr2:29,197,652, plus strand): 5'-AAACTCCAGAACTTCCTGGTTGCTTTTGCTGGGGTATGGCATATATCCAAGAGAAAAGAT[T>G]TCCCATAGCAGCACTCCAAAGGACCTGGGCATGGGACAGAGGACATGGAGATGGATATAG-3'
Protein context (NP_004295.2, residues 1311-1331): DTWSFGVLLW[Glu1321Asp]IFSLGYMPYP